The following is an entry in ClinVar:

ClinVar aggregate classification (germline): Likely benign. Review status: criteria provided, multiple submitters, no conflicts (2 of 4 stars). 3 submissions from 3 submitters: Likely benign (3). Last evaluated 2026-04-01.

Conditions:
Rubinstein-Taybi syndrome due to EP300 haploinsufficiency. Also called: EP300-Related Rubinstein-Taybi Syndrome; RUBINSTEIN-TAYBI SYNDROME 2. Identifiers: Orphanet 353284, Orphanet 783, MedGen C3150941, MONDO:0013364, OMIM 613684.
EP300-related disorder. Also called: EP300-related condition; EP300-related disorders.
Inborn genetic diseases. Identifiers: MedGen C0950123, MeSH D030342.

Allele frequency attached by ClinVar (database versions not stated): TOPMed 0.00001; gnomAD exomes below 0.00001.
gnomAD v4.1: 8 of 1,614,158 alleles (0.0005%); highest among the groups gnomAD compares: Admixed American, 0.0033%; no homozygotes.

Submissions (3):

Ambry Genetics
Classification: Likely benign for Inborn genetic diseases. Last evaluated: 2026-04-01. Review status: criteria provided, single submitter. Criteria: Ambry Variant Classification Scheme 2023. Collection method: clinical testing. Allele origin: germline.

PreventionGenetics, part of Exact Sciences
Classification: Likely benign for EP300-related condition. Last evaluated: 2024-10-08. Review status: criteria provided, single submitter. Criteria: ACMG Guidelines, 2015. Collection method: clinical testing. Allele origin: germline.
Comment: This variant is classified as likely benign based on ACMG/AMP sequence variant interpretation guidelines (Richards et al. 2015 PMID: 25741868, with internal and published modifications).

Labcorp Genetics (formerly Invitae), Labcorp
Classification: Likely benign for Rubinstein-Taybi syndrome due to EP300 haploinsufficiency. Last evaluated: 2022-05-31. Review status: criteria provided, single submitter. Criteria: Invitae Variant Classification Sherloc (09022015). Collection method: clinical testing. Allele origin: germline.

NM_001429.4(EP300):c.5268A>G (p.Pro1756=)

Gene: EP300 (EP300 lysine acetyltransferase; plus strand). Cytogenetic location: 22q13.2.
Variant type: single nucleotide variant.
Coding change: c.5268A>G on transcript NM_001429.4 (MANE Select); coding-DNA position 5268, A replaced by G.
Protein change: p.Pro1756=; no amino-acid change (proline 1756 retained).
Molecular consequence: synonymous variant.
Genome position (GRCh38, 1-based): chr22:41,176,979, A>G. VCF-style: chr22-41176979-A-G. GRCh37 (hg19) VCF-style: chr22-41572983-A-G.
Other names: c.5268A>G (NM_001429.3); c.5190A>G, p.Pro1730= (NM_001362843.2).
Identifiers: ClinVar variation 1905929 (VCV001905929.7), dbSNP rs1272929668, ClinGen allele CA514793982.